The following is an entry in ClinVar:

NM_002294.3(LAMP2):c.139C>T (p.Gln47Ter)

Gene: LAMP2 (lysosome associated membrane protein 2; minus strand). Cytogenetic location: Xq24.
Variant type: single nucleotide variant.
Coding change: c.139C>T on transcript NM_002294.3 (MANE Select); coding-DNA position 139, C replaced by T.
Protein change: p.Gln47Ter; replaces glutamine 47 with a stop codon.
Molecular consequence: nonsense.
Genome position (GRCh38, 1-based): chrX:120,456,695, G>A on the plus strand (C>T on the coding strand, the complement: LAMP2 is on the minus strand). VCF-style: chrX-120456695-G-A. GRCh37 (hg19) VCF-style: chrX-119590550-G-A.
Other names: c.139C>T, p.Gln47Ter (NM_001122606.1, NM_013995.2); short protein forms Q47*.
Identifiers: ClinVar variation 1012342 (VCV001012342.8), dbSNP rs2147287624, ClinGen allele CA414403653.

ClinVar aggregate classification (germline): Pathogenic. Review status: criteria provided, single submitter (1 of 4 stars). 2 submissions from 2 submitters: Pathogenic (1). 1 of the submissions does not count toward it. Last evaluated 2020-12-02.

Conditions:
Danon disease. Also called: GSD IIb; LYSOSOMAL GLYCOGEN STORAGE DISEASE WITHOUT ACID MALTASE DEFICIENCY; PSEUDOGLYCOGENOSIS II; ANTOPOL DISEASE; Glycogen Storage Disease Type IIb. Identifiers: Orphanet 34587, MedGen C0878677, MONDO:0010281, OMIM 300257.
Primary dilated cardiomyopathy (DCM). Also called: Dilated Cardiomyopathy. Identifiers: Orphanet 217604, MedGen C0007193, MeSH D002311, MONDO:0005021, HP:0001644. Inheritance: Various modes of inheritance.

Submissions (2):

Labcorp Genetics (formerly Invitae), Labcorp
Classification: Pathogenic for Danon disease. Last evaluated: 2020-12-02. Review status: criteria provided, single submitter. Criteria: Invitae Variant Classification Sherloc (09022015). Collection method: clinical testing. Allele origin: germline.
Comment: For these reasons, this variant has been classified as Pathogenic. This variant has not been reported in the literature in individuals with LAMP2-related conditions. This variant is not present in population databases (ExAC no frequency). This sequence change creates a premature translational stop signal (p.Gln47*) in the LAMP2 gene. It is expected to result in an absent or disrupted protein product. Loss-of-function variants in LAMP2 are known to be pathogenic (PMID: 21415759).

KTest Genetics, KTest
Classification: Pathogenic for Dilated cardiomyopathy. Review status: no assertion criteria provided. Criteria: ACMG Guidelines, 2015. Collection method: clinical testing. Allele origin: germline. Affected: yes. Not counted in ClinVar's aggregate classification.

Literature cited by the submitters: PubMed 21415759 (cited by Labcorp Genetics (formerly Invitae), Labcorp).